The following is an entry in ClinVar:

ClinVar aggregate classification (germline): Uncertain significance (1 of 4 stars; one submission).

Conditions:
Inborn genetic diseases. Identifiers: MedGen C0950123, MeSH D030342.

gnomAD v4.1: 5 of 1,612,800 alleles (0.00031%); highest among the groups gnomAD compares: African/African-American, 0.004%; no homozygotes.

Submission:

Ambry Genetics
Classification: Uncertain significance for Inborn genetic diseases. Last evaluated: 2025-05-08. Review status: criteria provided, single submitter. Criteria: Ambry Variant Classification Scheme 2023. Collection method: clinical testing. Allele origin: germline.
Comment: The p.L1323F variant (also known as c.3967C>T), located in coding exon 1 of the SAMD9L gene, results from a C to T substitution at nucleotide position 3967. The leucine at codon 1323 is replaced by phenylalanine, an amino acid with highly similar properties. This amino acid position is conserved. In addition, this alteration is predicted to be tolerated by in silico analysis. Based on the available evidence, the clinical significance of this variant remains unclear.

NM_152703.5(SAMD9L):c.3967C>T (p.Leu1323Phe)

Gene: SAMD9L (sterile alpha motif domain containing 9 like; minus strand). Cytogenetic location: 7q21.2.
Variant type: single nucleotide variant.
Coding change: c.3967C>T on transcript NM_152703.5 (MANE Select); coding-DNA position 3967, C replaced by T.
Protein change: p.Leu1323Phe; replaces leucine 1323 with phenylalanine.
Molecular consequence: missense variant.
Genome position (GRCh38, 1-based): chr7:93,132,005, G>A on the plus strand (C>T on the coding strand, the complement: SAMD9L is on the minus strand). VCF-style: chr7-93132005-G-A. GRCh37 (hg19) VCF-style: chr7-92761318-G-A.
Other names: c.3967C>T, p.Leu1323Phe (NM_001303496.3, NM_001303497.3, NM_001303498.3 and 5 more transcripts); short protein forms L1323F.
Identifiers: ClinVar variation 3949907 (VCV003949907.1).